The following is an entry in ClinVar:

NM_198834.3(ACACA):c.6211A>T (p.Asn2071Tyr)

Gene: ACACA (acetyl-CoA carboxylase alpha; minus strand). Cytogenetic location: 17q12.
Variant type: single nucleotide variant.
Coding change: c.6211A>T on transcript NM_198834.3 (MANE Select); coding-DNA position 6211, A replaced by T.
Protein change: p.Asn2071Tyr; replaces asparagine 2071 with tyrosine.
Molecular consequence: missense variant.
Genome position (GRCh38, 1-based): chr17:37,121,418, T>A on the plus strand (A>T on the coding strand, the complement: ACACA is on the minus strand). VCF-style: chr17-37121418-T-A. GRCh37 (hg19) VCF-style: chr17-35478340-T-A.
Other names: c.6100A>T, p.Asn2034Tyr (NM_198836.3, NM_198839.3); c.5926A>T, p.Asn1976Tyr (NM_198837.2); c.5866A>T, p.Asn1956Tyr (NM_198838.2); short protein forms N1956Y, N2071Y, N1976Y, N2034Y.
Identifiers: ClinVar variation 4744535 (VCV004744535.1).

ClinVar aggregate classification (germline): Uncertain significance (1 of 4 stars; one submission).

gnomAD v4.1: 5 of 1,614,180 alleles (0.00031%); highest among the groups gnomAD compares: Non-Finnish European, 0.00025%; no homozygotes.

Submission:

Labcorp Genetics (formerly Invitae), Labcorp
Classification: Uncertain significance. Last evaluated: 2025-08-23. Review status: criteria provided, single submitter. Criteria: Invitae Variant Classification Sherloc (09022015). Collection method: clinical testing. Allele origin: germline.
Comment: This sequence change replaces asparagine, which is neutral and polar, with tyrosine, which is neutral and polar, at codon 2034 of the ACACA protein (p.Asn2034Tyr). This variant is present in population databases (rs745617971, gnomAD 0.002%). This variant has not been reported in the literature in individuals affected with ACACA-related conditions. An algorithm developed to predict the effect of missense changes on protein structure and function (PolyPhen-2) suggests that this variant is likely to be disruptive. In summary, the available evidence is currently insufficient to determine the role of this variant in disease. Therefore, it has been classified as a Variant of Uncertain Significance.